The following is an entry in ClinVar:

NM_001127671.2(LIFR):c.907A>G (p.Asn303Asp)

Gene: LIFR (LIF receptor subunit alpha; minus strand). Cytogenetic location: 5p13.1.
Variant type: single nucleotide variant.
Coding change: c.907A>G on transcript NM_001127671.2 (MANE Select); coding-DNA position 907, A replaced by G.
Protein change: p.Asn303Asp; replaces asparagine 303 with aspartic acid.
Molecular consequence: missense variant.
Genome position (GRCh38, 1-based): chr5:38,510,548, T>C on the plus strand (A>G on the coding strand, the complement: LIFR is on the minus strand). VCF-style: chr5-38510548-T-C. GRCh37 (hg19) VCF-style: chr5-38510650-T-C.
Other names: c.907A>G, p.Asn303Asp (NM_001364297.2, NM_001364298.2, NM_002310.6); c.907A>G (NM_002310.5); short protein forms N303D.
Identifiers: ClinVar variation 2075523 (VCV002075523.2), dbSNP rs772583825, ClinGen allele CA3243085.
Genomic context (GRCh38, chr5:38,510,548, plus strand): 5'-ATATGTTATCTTCGGTTGTAAAAACTACATTTGTTCCACTACTTGCAGAAACAGAAATAT[T>C]ACGAATCTTGATTGCAACATTTTCCCCATCAAGATGGATCAAGGGGCAGTTTGTATGGCC-3'
Protein context (NP_001121143.1, residues 293-313): DGENVAIKIR[Asn303Asp]ISVSASSGTN

ClinVar aggregate classification (germline): Uncertain significance. Review status: criteria provided, multiple submitters, no conflicts (2 of 4 stars). 2 submissions from 2 submitters: Uncertain significance (2). Last evaluated 2025-03-27.

Conditions:
LIFR-related disorder. Also called: LIFR-related condition.

Allele frequency attached by ClinVar (database versions not stated): gnomAD 0.00001; gnomAD exomes 0.00001; ExAC 0.00004; TOPMed 0.00005.
gnomAD v4.1: 22 of 1,613,830 alleles (0.0014%); highest among the groups gnomAD compares: East Asian, 0.02%; no homozygotes.

Submissions (2):

PreventionGenetics, part of Exact Sciences
Classification: Uncertain significance for LIFR-related condition. Last evaluated: 2025-03-27. Review status: criteria provided, single submitter. Criteria: ACMG Guidelines, 2015. Collection method: clinical testing. Allele origin: germline.
Comment: The LIFR c.907A>G variant is predicted to result in the amino acid substitution p.Asn303Asp. To our knowledge, this variant has not been reported in the literature. This variant is reported in 0.049% of alleles in individuals of East Asian descent in gnomAD. At this time, the clinical significance of this variant is uncertain due to the absence of conclusive functional and genetic evidence.

Labcorp Genetics (formerly Invitae), Labcorp
Classification: Uncertain significance. Last evaluated: 2022-03-29. Review status: criteria provided, single submitter. Criteria: Invitae Variant Classification Sherloc (09022015). Collection method: clinical testing. Allele origin: germline.
Comment: This sequence change replaces asparagine, which is neutral and polar, with aspartic acid, which is acidic and polar, at codon 303 of the LIFR protein (p.Asn303Asp). This variant is present in population databases (rs772583825, gnomAD 0.05%). This variant has not been reported in the literature in individuals affected with LIFR-related conditions. Algorithms developed to predict the effect of missense changes on protein structure and function are either unavailable or do not agree on the potential impact of this missense change (SIFT: "Tolerated"; PolyPhen-2: "Probably Damaging"; Align-GVGD: "Class C0"). In summary, the available evidence is currently insufficient to determine the role of this variant in disease. Therefore, it has been classified as a Variant of Uncertain Significance.